The following is an entry in ClinVar:

NM_032119.4(ADGRV1):c.3509A>G (p.Tyr1170Cys)

Gene: ADGRV1 (adhesion G protein-coupled receptor V1; plus strand). Cytogenetic location: 5q14.3.
Variant type: single nucleotide variant.
Coding change: c.3509A>G on transcript NM_032119.4 (MANE Select); coding-DNA position 3509, A replaced by G.
Protein change: p.Tyr1170Cys; replaces tyrosine 1170 with cysteine.
Molecular consequence: missense variant. On other transcripts: non-coding transcript variant (1).
Genome position (GRCh38, 1-based): chr5:90,652,438, A>G. VCF-style: chr5-90652438-A-G. GRCh37 (hg19) VCF-style: chr5-89948255-A-G.
Other names: short protein forms Y1170C.
Identifiers: ClinVar variation 46318 (VCV000046318.49), dbSNP rs188772875, ClinGen allele CA138110.
Genomic context (GRCh38, chr5:90,652,438, plus strand): 5'-TTTCTGTATCTTGGCAGCTCTTTCAGAATGATTCTGCTTTGCAGCCTGGGCAGGAGTTCT[A>G]TGAAACTTCAGGAACTGTTAACTTCATGGATGGAGAAGAAGCAAAACCAATCATTCTCCA-3'
Protein context (NP_115495.3, residues 1160-1180): DSALQPGQEF[Tyr1170Cys]ETSGTVNFMD

ClinVar aggregate classification (germline): Conflicting classifications of pathogenicity. Review status: criteria provided, conflicting classifications (1 of 4 stars). 11 submissions from 11 submitters: Uncertain significance (7); Benign (1); Likely benign (3). Last evaluated 2026-06-24.

Conditions:
ADGRV1-related disorder. Also called: ADGRV1-related condition; ADGRV1-related disorders.
Febrile seizures, familial, 4 (FEB4). Also called: CONVULSIONS, FAMILIAL FEBRILE, 4. Identifiers: MedGen C1858493, MONDO:0011443, OMIM 604352.
Usher syndrome type 2C. Also called: Usher syndrome, type 2B; USHER SYNDROME, TYPE IIC. Identifiers: Orphanet 231178, Orphanet 886, MedGen C2931213, MONDO:0011558, OMIM 605472.

Allele frequency attached by ClinVar (database versions not stated): 1000 Genomes Project 30x 0.00047; 1000 Genomes Project 0.00060; ExAC 0.00074; gnomAD 0.00086; TOPMed 0.00100; ESP Exome Variant Server 0.00107.
gnomAD v4.1: 1,574 of 1,613,450 alleles (0.098%); highest among the groups gnomAD compares: Admixed American, 0.16%; 2 homozygotes.

Submissions (11):

PreventionGenetics, part of Exact Sciences
Classification: Uncertain significance for ADGRV1-related condition. Last evaluated: 2026-06-24. Review status: criteria provided, single submitter. Criteria: ACMG Guidelines, 2015. Collection method: clinical testing. Allele origin: germline.
Comment: The ADGRV1 c.3509A>G variant is predicted to result in the amino acid substitution p.Tyr1170Cys. This alteration was reported as a variant of uncertain significance in an individual with retinal or optic nerve disease; however, no additional information was provided to assess its pathogenicity (supplementary data, Diñeiro et al. 2020. PubMed ID: 32483926). This variant is reported in 0.14% of alleles in individuals of Latino descent in gnomAD, which may be too frequent to be a primary cause of disease. Although we suspect that this variant may be benign, at this time, the clinical significance of this variant is uncertain due to the absence of conclusive functional and genetic evidence.

Labcorp Genetics (formerly Invitae), Labcorp
Classification: Benign. Last evaluated: 2026-01-29. Review status: criteria provided, single submitter. Criteria: Invitae Variant Classification Sherloc (09022015). Collection method: clinical testing. Allele origin: germline.

CeGaT Center for Human Genetics Tuebingen
Classification: Likely benign. Last evaluated: 2025-02-01. Review status: criteria provided, single submitter. Criteria: CeGaT Center For Human Genetics Tuebingen Variant Classification Criteria Version 2. Collection method: clinical testing. Allele origin: germline. Affected: yes. Observed: 2 variant alleles.
Comment: ADGRV1: BP4

Blueprint Genetics
Classification: Likely benign. Last evaluated: 2024-11-21. Review status: criteria provided, single submitter. Criteria: ACMG Guidelines, 2015. Collection method: clinical testing. Allele origin: germline.

GeneDx
Classification: Likely benign. Last evaluated: 2020-07-16. Review status: criteria provided, single submitter. Criteria: GeneDx Variant Classification Process June 2021. Collection method: clinical testing. Allele origin: germline. Affected: yes.

Fulgent Genetics
Classification: Uncertain significance for Febrile seizures, familial, 4; Usher syndrome type 2C. Last evaluated: 2018-10-31. Review status: criteria provided, single submitter. Criteria: ACMG Guidelines, 2015. Collection method: clinical testing. Allele origin: unknown.

Athena Diagnostics
Classification: Uncertain significance. Last evaluated: 2018-04-27. Review status: criteria provided, single submitter. Criteria: Athena Diagnostics Criteria. Collection method: clinical testing. Allele origin: germline.

Center for Pediatric Genomic Medicine, Children's Mercy Hospital and Clinics
Classification: Uncertain significance. Last evaluated: 2017-09-11. Review status: criteria provided, single submitter. Criteria: ACMG Guidelines, 2015. Collection method: clinical testing. Allele origin: germline.

Illumina Laboratory Services, Illumina
Classification: Uncertain significance for Usher syndrome type 2C. Last evaluated: 2017-04-27. Review status: criteria provided, single submitter. Criteria: ICSL Variant Classification Criteria 13 December 2019. Collection method: clinical testing. Allele origin: germline.

Eurofins Ntd Llc (ga)
Classification: Uncertain significance. Last evaluated: 2016-06-02. Review status: criteria provided, single submitter. Criteria: EGL Classification Definitions 2015. Collection method: clinical testing. Allele origin: germline. Observed: 2 variant alleles, 2 heterozygotes.

Laboratory for Molecular Medicine, Mass General Brigham Personalized Medicine
Classification: Uncertain significance. Last evaluated: 2013-08-19. Review status: criteria provided, single submitter. Criteria: LMM Criteria. Collection method: clinical testing. Allele origin: germline. Observed: 2 variant alleles.
Comment: Variant classified as Uncertain Significance - Favor Benign. The Tyr1170Cys vari ant in GPR98 has not been previously identified by our laboratory but has been i dentified in 0.16% (13/8284) of European American chromosomes in a broad populat ion by the NHLBI Exome sequencing project (db SNP rs188772875). Although this variant has been seen in the general population, its frequency is not high enough to rule out a pathogenic role. Computational a nalyses (biochemical amino acid properties, conservation, AlignGVGD, PolyPhen2, and SIFT) suggest that the Tyr1170Cys variant may impact the normal function of the protein, though this information is not predictive enough to determine patho genicity. In summary, the clinical significance of this variant cannot be determ ined with certainty; however, based upon identification in controls and lack of reports in affected individuals, we would lean towards a more likely benign role .